The following is an entry in ClinVar:

ClinVar aggregate classification (germline): Uncertain significance (1 of 4 stars; one submission).

Conditions:
Inborn genetic diseases. Identifiers: MedGen C0950123, MeSH D030342.

Submission:

Ambry Genetics
Classification: Uncertain significance for Inborn genetic diseases. Last evaluated: 2025-05-23. Review status: criteria provided, single submitter. Criteria: Ambry Variant Classification Scheme 2023. Collection method: clinical testing. Allele origin: germline.
Comment: The p.A690S variant (also known as c.2068G>T), located in coding exon 23 of the RTEL1 gene, results from a G to T substitution at nucleotide position 2068. The alanine at codon 690 is replaced by serine, an amino acid with similar properties. This amino acid position is conserved. In addition, this alteration is predicted to be deleterious by in silico analysis. Based on the available evidence, the clinical significance of this variant remains unclear.

NM_001283009.2(RTEL1):c.2068G>T (p.Ala690Ser)

Genes: RTEL1 (regulator of telomere elongation helicase 1; plus strand), RTEL1-TNFRSF6B (RTEL1-TNFRSF6B readthrough (NMD candidate); plus strand). Cytogenetic location: 20q13.33.
Variant type: single nucleotide variant.
Coding change: c.2068G>T on transcript NM_001283009.2 (MANE Select); coding-DNA position 2068, G replaced by T.
Protein change: p.Ala690Ser; replaces alanine 690 with serine.
Molecular consequence: missense variant. On other transcripts: non-coding transcript variant (1).
Genome position (GRCh38, 1-based): chr20:63,689,792, G>T. VCF-style: chr20-63689792-G-T. GRCh37 (hg19) VCF-style: chr20-62321145-G-T.
Other names: c.1399G>T, p.Ala467Ser (NM_001283010.1); c.2068G>T, p.Ala690Ser (NM_016434.4); c.2140G>T, p.Ala714Ser (NM_032957.5); short protein forms A690S, A467S, A714S.
Identifiers: ClinVar variation 3948413 (VCV003948413.1).